The following is an entry in ClinVar:

NC_000023.11:g.(?_32438231)_(32573856_?)del

Gene: DMD (dystrophin; minus strand). Cytogenetic location: Xp21.1.
Variant type: Deletion.
Identifiers: ClinVar variation 831870 (VCV000831870.8).

ClinVar aggregate classification (germline): Pathogenic (1 of 4 stars; one submission).

Conditions:
Duchenne muscular dystrophy (DMD). Also called: Duchenne Muscular Dystrophy (DMD); MUSCULAR DYSTROPHY, PSEUDOHYPERTROPHIC PROGRESSIVE, DUCHENNE TYPE. Identifiers: Orphanet 98896, MedGen C0013264, MONDO:0010679, OMIM 310200.

Submission:

Labcorp Genetics (formerly Invitae), Labcorp
Classification: Pathogenic for Duchenne muscular dystrophy. Last evaluated: 2019-02-20. Review status: criteria provided, single submitter. Criteria: Invitae Variant Classification Sherloc (09022015). Collection method: clinical testing. Allele origin: germline.
Comment: For these reasons, this variant has been classified as Pathogenic. Sub-genic deletion of exon 14 has been determined to be pathogenic (PMID: 23453023, 19040728). Therefore, deletions that fully encompass that region are also expected to be pathogenic. Experimental studies and prediction algorithms are not available for this variant, and the functional significance of the affected amino acids is currently unknown. This variant has not been reported in the literature in individuals with DMD-related conditions. This variant is an in-frame deletion of the genomic region encompassing exons 14-29 of the DMD gene. It preserves the integrity of the reading frame.

Literature cited by the submitters: PubMed 23453023; PubMed 19040728.